The following is an entry in ClinVar:

ClinVar aggregate classification (germline): Conflicting classifications of pathogenicity. Review status: criteria provided, conflicting classifications (1 of 4 stars). 3 submissions from 3 submitters: Pathogenic (1); Likely pathogenic (1); Uncertain significance (1). Last evaluated 2026-06-03.

Conditions:
Niemann-Pick disease, type C1. Also called: NIEMANN-PICK DISEASE, VARIANT TYPE C1; NEUROVISCERAL STORAGE DISEASE WITH VERTICAL SUPRANUCLEAR OPHTHALMOPLEGIA; NIEMANN-PICK DISEASE WITH CHOLESTEROL ESTERIFICATION BLOCK; NIEMANN-PICK DISEASE WITHOUT SPHINGOMYELINASE DEFICIENCY; NIEMANN-PICK DISEASE, CHRONIC NEURONOPATHIC FORM. Identifiers: Orphanet 646, MedGen C3179455, MONDO:0009757, OMIM 257220.

Allele frequency attached by ClinVar (database versions not stated): gnomAD exomes below 0.00001; ExAC 0.00001.
gnomAD v4.1: 3 of 1,418,766 alleles (0.00021%); highest among the groups gnomAD compares: Non-Finnish European, 0.00019%; no homozygotes.

Submissions (3):

Myriad Genetics, Inc.
Classification: Uncertain significance for Niemann-Pick disease, type C1. Last evaluated: 2026-06-03. Review status: criteria provided, single submitter. Criteria: Myriad Autosomal Dominant, Autosomal Recessive and X-Linked Classification Criteria (2023). Collection method: clinical testing. Allele origin: unknown.
Comment: NM_000271.4(NPC1):c.2134G>A(D712N) is a missense variant classified as a variant of uncertain significance in the context of Niemann-Pick disease type C1. D712N has been observed in a case with relevant disease (PMID: 32138288). Relevant functional assessments of this variant are not available in the literature. D712N has been observed in referenced population frequency databases. In summary, there is insufficient evidence to classify NM_000271.4(NPC1):c.2134G>A(D712N) as pathogenic or benign. Please note: this variant was assessed in the context of healthy population screening.

Natera, Inc.
Classification: Likely pathogenic for Niemann-Pick disease type C1. Last evaluated: 2025-09-12. Review status: criteria provided, single submitter. Criteria: Natera Variant Classification Schema (03/2026). Collection method: clinical testing. Allele origin: germline.
Comment: The c.2134G>A variant in NPC1 is a missense variant predicted to cause substitution of aspartic acid to asparagine at amino acid 712. This variant is rare in the general population with a frequency below the threshold expected for the associated phenotype(s). This variant has been observed in one or more individuals affected with the associated recessive disease, as either homozygous or compound heterozygous with a second variant (PMID: 32138288). Additionally, this variant has been observed to segregate in affected family members (PMID: 32138288). This variant has been identified in one or more affected individual with a phenotype highly consistent with the associated gene (PMID: 32138288). Given the available evidence, this variant is classified as Likely Pathogenic.

Labcorp Genetics (formerly Invitae), Labcorp
Classification: Pathogenic for Niemann-Pick disease, type C1. Last evaluated: 2025-04-17. Review status: criteria provided, single submitter. Criteria: Invitae Variant Classification Sherloc (09022015). Collection method: clinical testing. Allele origin: germline.
Comment: This sequence change replaces aspartic acid, which is acidic and polar, with asparagine, which is neutral and polar, at codon 712 of the NPC1 protein (p.Asp712Asn). The frequency data for this variant in the population databases is considered unreliable, as metrics indicate poor data quality at this position in the gnomAD database. This missense change has been observed in individual(s) with Niemann-Pick type C (PMID: 32138288). In at least one individual the data is consistent with being in trans (on the opposite chromosome) from a pathogenic variant. It has also been observed to segregate with disease in related individuals. ClinVar contains an entry for this variant (Variation ID: 2161649). Invitae Evidence Modeling of protein sequence and biophysical properties (such as structural, functional, and spatial information, amino acid conservation, physicochemical variation, residue mobility, and thermodynamic stability) indicates that this missense variant is expected to disrupt NPC1 protein function with a positive predictive value of 95%. Studies have shown that this missense change alters NPC1 gene expression (PMID: 32138288). For these reasons, this variant has been classified as Pathogenic.

Literature cited by the submitters: PubMed 32138288 (cited by 3 submitters).

NM_000271.5(NPC1):c.2134G>A (p.Asp712Asn)

Gene: NPC1 (NPC intracellular cholesterol transporter 1; minus strand). Cytogenetic location: 18q11.2.
Variant type: single nucleotide variant.
Coding change: c.2134G>A on transcript NM_000271.5 (MANE Select); coding-DNA position 2134, G replaced by A.
Protein change: p.Asp712Asn; replaces aspartic acid 712 with asparagine.
Molecular consequence: missense variant.
Genome position (GRCh38, 1-based): chr18:23,543,566, C>T on the plus strand (G>A on the coding strand, the complement: NPC1 is on the minus strand). VCF-style: chr18-23543566-C-T. GRCh37 (hg19) VCF-style: chr18-21123530-C-T.
Other names: c.2134G>A (NM_000271.4); short protein forms D712N.
Identifiers: ClinVar variation 2161649 (VCV002161649.6), dbSNP rs776682510, ClinGen allele CA8913196.